The following is an entry in ClinVar:

ClinVar aggregate classification (germline): Likely pathogenic. Review status: criteria provided, multiple submitters, no conflicts (2 of 4 stars). 2 submissions from 2 submitters: Likely pathogenic (2). Last evaluated 2025-06-11.

Conditions:
Mucopolysaccharidosis type 1. Also called: Mucopolysaccharidosis Type I; IDUA deficiency; MPS I. Identifiers: Orphanet 579, MedGen C0023786, MONDO:0001586.

Submissions (2):

Revvity Omics, Revvity
Classification: Likely pathogenic. Last evaluated: 2025-06-11. Review status: criteria provided, single submitter. Criteria: ACMG Guidelines, 2015. Collection method: clinical testing. Allele origin: germline.

Labcorp Genetics (formerly Invitae), Labcorp
Classification: Likely pathogenic for Mucopolysaccharidosis type 1. Last evaluated: 2025-06-03. Review status: criteria provided, single submitter. Criteria: Invitae Variant Classification Sherloc (09022015). Collection method: clinical testing. Allele origin: germline.
Comment: This sequence change affects a splice site in intron 12 of the IDUA gene. It is expected to disrupt RNA splicing. Variants that disrupt the donor or acceptor splice site typically lead to a loss of protein function (PMID: 16199547), and loss-of-function variants in IDUA are known to be pathogenic (PMID: 11735025, 21480867). This variant is not present in population databases (gnomAD no frequency). This variant has not been reported in the literature in individuals affected with IDUA-related conditions. Algorithms developed to predict the effect of sequence changes on RNA splicing suggest that this variant may disrupt the consensus splice site. In summary, the currently available evidence indicates that the variant is pathogenic, but additional data are needed to prove that conclusively. Therefore, this variant has been classified as Likely Pathogenic.

Literature cited by the submitters: PubMed 16199547 (cited by Labcorp Genetics (formerly Invitae), Labcorp); PubMed 11735025 (cited by Labcorp Genetics (formerly Invitae), Labcorp); PubMed 21480867 (cited by Labcorp Genetics (formerly Invitae), Labcorp).

NM_000203.5(IDUA):c.1727+2del

Gene: IDUA (alpha-L-iduronidase; plus strand). Cytogenetic location: 4p16.3.
Variant type: Deletion.
Coding change: c.1727+2del on transcript NM_000203.5 (MANE Select); the canonical splice donor site of the intron after coding-DNA position 1727, one base deleted (T; older notation c.1727+2delT).
Molecular consequence: splice donor variant. On other transcripts: non-coding transcript variant (1).
Genome position (GRCh38, 1-based): chr4:1,003,627, T deleted. VCF-style (leftmost placement, unchanged base first): chr4-1003626-GT-G. GRCh37 (hg19) VCF-style: chr4-997414-GT-G.
Other names: c.1331+2del (NM_001363576.1).
Identifiers: ClinVar variation 4081458 (VCV004081458.2).